The following is an entry in ClinVar:

NM_000047.3(ARSL):c.217G>A (p.Gly73Ser)

Gene: ARSL (arylsulfatase L; minus strand). Cytogenetic location: Xp22.33.
Variant type: single nucleotide variant.
Coding change: c.217G>A on transcript NM_000047.3 (MANE Select); coding-DNA position 217, G replaced by A.
Protein change: p.Gly73Ser; replaces glycine 73 with serine.
Molecular consequence: missense variant.
Genome position (GRCh38, 1-based): chrX:2,955,506, C>T on the plus strand (G>A on the coding strand, the complement: ARSL is on the minus strand). VCF-style: chrX-2955506-C-T. GRCh37 (hg19) VCF-style: chrX-2873547-C-T.
Other names: c.292G>A, p.Gly98Ser (NM_001282628.2, NM_001369080.1); c.55G>A, p.Gly19Ser (NM_001282631.2); c.244G>A, p.Gly82Ser (NM_001369079.1); short protein forms G19S, G73S, G82S, G98S.
Identifiers: ClinVar variation 1066074 (VCV001066074.10), dbSNP rs2147394157, ClinGen allele CA412267987.

ClinVar aggregate classification (germline): Likely pathogenic. Review status: criteria provided, multiple submitters, no conflicts (2 of 4 stars). 2 submissions from 2 submitters: Likely pathogenic (2). Last evaluated 2022-12-14.

Conditions:
X-linked chondrodysplasia punctata 1 (CDPX1). Also called: Chondrodysplasia punctata, X-linked recessive; CHONDRODYSPLASIA PUNCTATA, BRACHYTELEPHALANGIC. Identifiers: Orphanet 79345, MedGen C3669395, MONDO:0010555, OMIM 302950.
Chondrodysplasia punctata, brachytelephalangic, autosomal. Also called: BRACHYTELEPHALANGIC CHONDRODYSPLASIA PUNCTATA. Identifiers: MedGen C1844853, MONDO:0011238, OMIM 602497.

Submissions (2):

Labcorp Genetics (formerly Invitae), Labcorp
Classification: Likely pathogenic for Chondrodysplasia punctata, brachytelephalangic, autosomal. Last evaluated: 2022-12-14. Review status: criteria provided, single submitter. Criteria: Invitae Variant Classification Sherloc (09022015). Collection method: clinical testing. Allele origin: germline.
Comment: This sequence change replaces glycine, which is neutral and non-polar, with serine, which is neutral and polar, at codon 73 of the ARSE protein (p.Gly73Ser). This variant is not present in population databases (gnomAD no frequency). This missense change has been observed in individuals with chondrodysplasia punctata (PMID: 23470839). ClinVar contains an entry for this variant (Variation ID: 1066074). Algorithms developed to predict the effect of missense changes on protein structure and function (SIFT, PolyPhen-2, Align-GVGD) all suggest that this variant is likely to be disruptive. Experimental studies have shown that this missense change affects ARSE function (PMID: 23470839). In summary, the currently available evidence indicates that the variant is pathogenic, but additional data are needed to prove that conclusively. Therefore, this variant has been classified as Likely Pathogenic.

3billion
Classification: Likely pathogenic for X-linked chondrodysplasia punctata 1. Last evaluated: 2022-01-03. Review status: criteria provided, single submitter. Criteria: ACMG Guidelines, 2015. Collection method: clinical testing. Allele origin: germline. Affected: yes. Observed: 1 hemizygote.
Comment: Same nucleotide change resulting in same amino acid change has been previously reported to be associated with ARSL related disorder (ClinVar ID: VCV001066074, PMID:23470839, PS1_P). The variant has been observed in at least two similarly affected unrelated individuals (PMID: 23470839, PS4_M). Functional studies provide moderate evidence of the variant having a damaging effect on the gene or gene product(PMID: 23470839, PS3_M). In silico tool predictions suggest damaging effect of the variant on gene or gene product (REVEL: 0.816, PP3_P). It is not observed in the gnomAD v2.1.1 dataset (PM2_M). Therefore, this variant is classified as likely pathogenic according to the recommendation of ACMG/AMP guideline.

Literature cited by the submitters: PubMed 23470839 (cited by Labcorp Genetics (formerly Invitae), Labcorp and 3billion).